The following is an entry in ClinVar:

ClinVar aggregate classification (germline): Uncertain significance (1 of 4 stars; one submission).

Conditions:
Amyotrophic lateral sclerosis type 4 (ALS4). Also called: NEURONOPATHY, DISTAL HEREDITARY MOTOR, WITH PYRAMIDAL FEATURES; AMYOTROPHIC LATERAL SCLEROSIS 4, JUVENILE. Identifiers: Orphanet 357043, MedGen C1865409, MONDO:0011223, OMIM 602433.
Spinocerebellar ataxia, autosomal recessive, with axonal neuropathy 2 (SCAN2). Also called: Ataxia-ocular apraxia-2; ATAXIA-OCULOMOTOR APRAXIA 2; Ataxia with Oculomotor Apraxia; Ataxia with Oculomotor Apraxia Type 2. Identifiers: Orphanet 64753, MedGen C1853761, MONDO:0018996, OMIM 606002.

Submission:

Labcorp Genetics (formerly Invitae), Labcorp
Classification: Uncertain significance for Amyotrophic lateral sclerosis type 4; Spinocerebellar ataxia, autosomal recessive, with axonal neuropathy 2. Last evaluated: 2019-07-19. Review status: criteria provided, single submitter. Criteria: Invitae Variant Classification Sherloc (09022015). Collection method: clinical testing. Allele origin: germline.
Comment: In summary, the available evidence is currently insufficient to determine the role of this variant in disease. Therefore, it has been classified as a Variant of Uncertain Significance. Algorithms developed to predict the effect of missense changes on protein structure and function (SIFT, PolyPhen-2, Align-GVGD) all suggest that this variant is likely to be tolerated, but these predictions have not been confirmed by published functional studies and their clinical significance is uncertain. This variant has not been reported in the literature in individuals with SETX-related conditions. This variant is not present in population databases (ExAC no frequency). This sequence change replaces valine with alanine at codon 2272 of the SETX protein (p.Val2272Ala). The valine residue is weakly conserved and there is a small physicochemical difference between valine and alanine.

NM_015046.7(SETX):c.6815T>C (p.Val2272Ala)

Gene: SETX (senataxin; minus strand). Cytogenetic location: 9q34.13.
Variant type: single nucleotide variant.
Coding change: c.6815T>C on transcript NM_015046.7 (MANE Select); coding-DNA position 6815, T replaced by C.
Protein change: p.Val2272Ala; replaces valine 2272 with alanine.
Molecular consequence: missense variant.
Genome position (GRCh38, 1-based): chr9:132,278,097, A>G on the plus strand (T>C on the coding strand, the complement: SETX is on the minus strand). VCF-style: chr9-132278097-A-G. GRCh37 (hg19) VCF-style: chr9-135153484-A-G.
Other names: c.6815T>C, p.Val2272Ala (NM_001351527.2, NM_001351528.2); short protein forms V2272A.
Identifiers: ClinVar variation 956831 (VCV000956831.10), dbSNP rs1843271572, ClinGen allele CA375330864.